The following is an entry in ClinVar:

ClinVar aggregate classification (germline): Pathogenic (1 of 4 stars; one submission).

Conditions:
Vici syndrome (VICIS). Identifiers: Orphanet 1493, MedGen C1855772, MONDO:0009452, OMIM 242840.

Submission:

Victorian Clinical Genetics Services, Murdoch Childrens Research Institute
Classification: Pathogenic for Vici syndrome. Last evaluated: 2025-03-24. Review status: criteria provided, single submitter. Criteria: ACMG Guidelines, 2015. Collection method: clinical testing. Allele origin: germline. Affected: yes.
Comment: This variant is classified as Pathogenic. Evidence in support of pathogenic classification: Variant is predicted to cause nonsense-mediated decay (NMD) and loss of protein (premature termination codon is located at least 54 nucleotides upstream of the final exon-exon junction); Variant is absent from gnomAD (v2, v3 and v4); Other NMD-predicted variants comparable to the one identified in this case have very strong previous evidence for pathogenicity (DECIPHER). Additional information: This variant is heterozygous; This gene is associated with autosomal recessive disease; This variant has no previous evidence of pathogenicity; No published segregation evidence has been identified for this variant; No published functional evidence has been identified for this variant; Loss of function is a known mechanism of disease in this gene and is associated with Vici syndrome (MIM#242840).

NM_020964.3(EPG5):c.4633del (p.Gln1545fs)

Gene: EPG5 (ectopic P-granules 5 autophagy tethering factor; minus strand). Cytogenetic location: 18q21.1.
Variant type: Deletion.
Coding change: c.4633del on transcript NM_020964.3 (MANE Select); coding-DNA position 4633, one base deleted (C; older notation c.4633delC).
Protein change: p.Gln1545fs; shifts the reading frame from glutamine 1545.
Molecular consequence: frameshift variant.
Genome position (GRCh38, 1-based): chr18:45,901,009, G deleted on the plus strand (C on the coding strand, the reverse complement: EPG5 is on the minus strand). VCF-style (leftmost placement, unchanged base first): chr18-45901008-TG-T. GRCh37 (hg19) VCF-style: chr18-43480973-TG-T.
Other names: c.4633del, p.Gln1545fs (NM_001410858.1, NM_001410859.1); short protein forms Q1545fs.
Identifiers: ClinVar variation 4531692 (VCV004531692.1).
Genomic context (GRCh38, chr18:45,901,008, plus strand): 5'-CAAAGCCACCAACATGGGAACATGATCCGTGAGGCTGCATGGTCTTACCTGGCCTGCTGT[TG>T]CAACAGATTCAGGTCTGTGCACACCAGCTGGGTGGCGTCCTTCTGACTCAATAGCACAGC-3'